The following is an entry in ClinVar:

ClinVar aggregate classification (germline): Uncertain significance (1 of 4 stars; one submission).

Conditions:
Familial adenomatous polyposis 1 (FAP1). Also called: FAMILIAL ADENOMATOUS POLYPOSIS 1, ATTENUATED; POLYPOSIS, ADENOMATOUS INTESTINAL. Identifiers: MedGen C2713442, MONDO:0021056, OMIM 175100. Disease mechanism: loss of function.

gnomAD v4.1: 1 of 619,142 alleles (0.00016%); highest among the groups gnomAD compares: Admixed American, 0.0029%; no homozygotes.

Submission:

Labcorp Genetics (formerly Invitae), Labcorp
Classification: Uncertain significance for Familial adenomatous polyposis 1. Last evaluated: 2025-05-12. Review status: criteria provided, single submitter. Criteria: Invitae Variant Classification Sherloc (09022015). Collection method: clinical testing. Allele origin: germline.
Comment: This variant occurs in a non-coding region of the APC gene. It does not change the encoded amino acid sequence of the APC protein. This variant is not present in population databases (gnomAD no frequency). This variant has not been reported in the literature in individuals affected with APC-related conditions. Experimental studies and prediction algorithms are not available or were not evaluated, and the functional significance of this variant is currently unknown. In summary, the available evidence is currently insufficient to determine the role of this variant in disease. Therefore, it has been classified as a Variant of Uncertain Significance.

NM_001127511.3(APC):c.-162G>A

Gene: APC (APC regulator of Wnt signaling pathway; plus strand). Cytogenetic location: 5q22.2.
Variant type: single nucleotide variant.
Coding change: c.-162G>A on transcript NM_001127511.3; 162 bases upstream of the start codon, G replaced by A.
Molecular consequence: 5 prime UTR variant. On other transcripts: non-coding transcript variant (2).
Genome position (GRCh38, 1-based): chr5:112,707,556, G>A. VCF-style: chr5-112707556-G-A. GRCh37 (hg19) VCF-style: chr5-112043253-G-A.
Other names: c.-345G>A (NM_001354895.2, NM_001407447.1, NM_001407452.1 and 3 more transcripts); c.-162G>A (NM_001354897.2, NM_001354902.2, NM_001407446.1); c.-112G>A (NM_001407448.1, NM_001407450.1, NM_001407457.1 and 1 more transcripts); c.-136G>A (NM_001407453.1); c.-1380G>A (NM_001407470.1, NM_001407472.1).
Identifiers: ClinVar variation 1488081 (VCV001488081.6), dbSNP rs2149629360, ClinGen allele CA2573138774.
Genomic context (GRCh38, chr5:112,707,556, plus strand): 5'-GCGCATTGTAGTCTTCCCACCTCCCACAAGATGGCGGAGGGCAAGTAGCAAGGGGGCGGG[G>A]TGTGGCCGCCGGAAGCCTAGCCGCTGCTCGGGGGGGACCTGCGGGCTCAGGCCCGGGAGC-3'